The following is an entry in ClinVar:

ClinVar aggregate classification (germline): Likely pathogenic (1 of 4 stars; one submission).

Conditions:
Distal myopathy with posterior leg and anterior hand involvement. Also called: WILLIAMS DISTAL MYOPATHY. Identifiers: Orphanet 63273, MedGen C3279722, MONDO:0013550, OMIM 614065.
Hypertrophic cardiomyopathy 26. Also called: Cardiomyopathy, familial hypertrophic, 26. Identifiers: Orphanet 75249, MedGen C4310749, MONDO:0014883, OMIM 617047.
Myofibrillar myopathy 5. Also called: FILAMINOPATHY, AUTOSOMAL DOMINANT; Filaminopathy (type). Identifiers: Orphanet 171445, MedGen C1836050, MONDO:0012289, OMIM 609524.

Submission:

Labcorp Genetics (formerly Invitae), Labcorp
Classification: Likely pathogenic for Distal myopathy with posterior leg and anterior hand involvement; Myofibrillar myopathy 5; Hypertrophic cardiomyopathy 26. Last evaluated: 2020-11-28. Review status: criteria provided, single submitter. Criteria: Invitae Variant Classification Sherloc (09022015). Collection method: clinical testing. Allele origin: germline.
Comment: In summary, the currently available evidence indicates that the variant is pathogenic, but additional data are needed to prove that conclusively. Therefore, this variant has been classified as Likely Pathogenic. Algorithms developed to predict the effect of missense changes on protein structure and function are either unavailable or do not agree on the potential impact of this missense change (SIFT: "Deleterious"; PolyPhen-2: "Probably Damaging"; Align-GVGD: "Class C0"). This variant has been observed in individual(s) with clinical features of FLNC-related conditions (Invitae). In at least one individual the variant was observed to be de novo. This variant is not present in population databases (ExAC no frequency). This sequence change replaces threonine with asparagine at codon 2520 of the FLNC protein (p.Thr2520Asn). The threonine residue is highly conserved and there is a small physicochemical difference between threonine and asparagine.

NM_001458.5(FLNC):c.7559C>A (p.Thr2520Asn)

Genes: FLNC-AS1 (FLNC antisense RNA 1; minus strand), FLNC (filamin C; plus strand). Cytogenetic location: 7q32.1.
Variant type: single nucleotide variant.
Coding change: c.7559C>A on transcript NM_001458.5 (MANE Select); coding-DNA position 7559, C replaced by A.
Protein change: p.Thr2520Asn; replaces threonine 2520 with asparagine.
Molecular consequence: missense variant.
Genome position (GRCh38, 1-based): chr7:128,856,919, C>A. VCF-style: chr7-128856919-C-A. GRCh37 (hg19) VCF-style: chr7-128496973-C-A.
Other names: c.7460C>A, p.Thr2487Asn (NM_001127487.2); short protein forms T2487N, T2520N.
Identifiers: ClinVar variation 1025130 (VCV001025130.9), dbSNP rs1809086992, ClinGen allele CA369219025.
Genomic context (GRCh38, chr7:128,856,919, plus strand): 5'-GCCAGGCTGGGGACCCAGGCTTGGTGTCAGCCTACGGTCCTGGGCTCGAGGGAGGCACTA[C>A]CGGTGAGTGCCTGGAGCTGGGGAACAGGGTGACTTCTGGGGGTGCTTGGCCACTAGTCTG-3'
Protein context (NP_001449.3, residues 2510-2530): AYGPGLEGGT[Thr2520Asn]GVSSEFIVNT